The following is an entry in ClinVar:

ClinVar aggregate classification (germline): Likely pathogenic (1 of 4 stars; one submission).

Submission:

Labcorp Genetics (formerly Invitae), Labcorp
Classification: Likely pathogenic. Last evaluated: 2023-02-10. Review status: criteria provided, single submitter. Criteria: Invitae Variant Classification Sherloc (09022015). Collection method: clinical testing. Allele origin: germline.
Comment: This sequence change affects an acceptor splice site in intron 3 of the AGBL5 gene. It is expected to disrupt RNA splicing. Variants that disrupt the donor or acceptor splice site typically lead to a loss of protein function (PMID: 16199547), and loss-of-function variants in AGBL5 are known to be pathogenic (PMID: 27764769, 27842159). This variant is not present in population databases (gnomAD no frequency). Disruption of this splice site has been observed in individual(s) with retinitis pigmentosa (Invitae). Algorithms developed to predict the effect of sequence changes on RNA splicing suggest that this variant may disrupt the consensus splice site. In summary, the currently available evidence indicates that the variant is pathogenic, but additional data are needed to prove that conclusively. Therefore, this variant has been classified as Likely Pathogenic.

Literature cited by the submitters: PubMed 16199547; PubMed 27764769; PubMed 27842159.

NM_021831.6(AGBL5):c.388-1G>A

Gene: AGBL5 (AGBL carboxypeptidase 5; plus strand). Cytogenetic location: 2p23.3.
Variant type: single nucleotide variant.
Coding change: c.388-1G>A on transcript NM_021831.6 (MANE Select); the canonical splice acceptor site of the intron before coding-DNA position 388, G replaced by A.
Molecular consequence: splice acceptor variant.
Genome position (GRCh38, 1-based): chr2:27,053,895, G>A. VCF-style: chr2-27053895-G-A. GRCh37 (hg19) VCF-style: chr2-27276763-G-A.
Other names: c.388-1G>A (NM_001035507.3).
Identifiers: ClinVar variation 2836112 (VCV002836112.3), dbSNP rs2465441256, ClinGen allele CA346170717.